The following is an entry in ClinVar:

ClinVar aggregate classification (germline): Uncertain significance (1 of 4 stars; one submission).

Allele frequency attached by ClinVar (database versions not stated): gnomAD exomes below 0.00001.
gnomAD v4.1: 1 of 1,613,330 alleles (0.000062%); highest among the groups gnomAD compares: Admixed American, 0.0017%; no homozygotes.

Submission:

Labcorp Genetics (formerly Invitae), Labcorp
Classification: Uncertain significance. Last evaluated: 2021-12-28. Review status: criteria provided, single submitter. Criteria: Invitae Variant Classification Sherloc (09022015). Collection method: clinical testing. Allele origin: germline.
Comment: Advanced modeling of protein sequence and biophysical properties (such as structural, functional, and spatial information, amino acid conservation, physicochemical variation, residue mobility, and thermodynamic stability) performed at Invitae indicates that this missense variant is not expected to disrupt COL11A2 protein function. This variant has not been reported in the literature in individuals affected with COL11A2-related conditions. This variant is present in population databases (no rsID available, gnomAD no frequency). This sequence change replaces aspartic acid, which is acidic and polar, with valine, which is neutral and non-polar, at codon 1430 of the COL11A2 protein (p.Asp1430Val). In summary, the available evidence is currently insufficient to determine the role of this variant in disease. Therefore, it has been classified as a Variant of Uncertain Significance.

NM_080680.3(COL11A2):c.4289A>T (p.Asp1430Val)

Gene: COL11A2 (collagen type XI alpha 2 chain; minus strand). Cytogenetic location: 6p21.32.
Variant type: single nucleotide variant.
Coding change: c.4289A>T on transcript NM_080680.3 (MANE Select); coding-DNA position 4289, A replaced by T.
Protein change: p.Asp1430Val; replaces aspartic acid 1430 with valine.
Molecular consequence: missense variant.
Genome position (GRCh38, 1-based): chr6:33,166,769, T>A on the plus strand (A>T on the coding strand, the complement: COL11A2 is on the minus strand). VCF-style: chr6-33166769-T-A. GRCh37 (hg19) VCF-style: chr6-33134546-T-A.
Other names: c.3968A>T, p.Asp1323Val (NM_080679.3); c.4031A>T, p.Asp1344Val (NM_080681.3); short protein forms D1323V, D1344V, D1430V.
Identifiers: ClinVar variation 2061566 (VCV002061566.4), dbSNP rs1328221113, ClinGen allele CA363620563.